The following is an entry in ClinVar:

NM_002303.6(LEPR):c.875C>A (p.Ser292Tyr)

Gene: LEPR (leptin receptor; plus strand). Cytogenetic location: 1p31.3.
Variant type: single nucleotide variant.
Coding change: c.875C>A on transcript NM_002303.6 (MANE Select); coding-DNA position 875, C replaced by A.
Protein change: p.Ser292Tyr; replaces serine 292 with tyrosine.
Molecular consequence: missense variant.
Genome position (GRCh38, 1-based): chr1:65,598,685, C>A. VCF-style: chr1-65598685-C-A. GRCh37 (hg19) VCF-style: chr1-66064368-C-A.
Other names: c.875C>A, p.Ser292Tyr (NM_001003679.3, NM_001003680.3, NM_001198687.2 and 2 more transcripts); short protein forms S292Y.
Identifiers: ClinVar variation 2631880 (VCV002631880.6), dbSNP rs150605826, ClinGen allele CA894684.

ClinVar aggregate classification (germline): Uncertain significance. Review status: criteria provided, single submitter (1 of 4 stars). 2 submissions from 2 submitters: Uncertain significance (1). 1 of the submissions does not count toward it. Last evaluated 2023-09-19.

Conditions:
LEPR-related disorder. Also called: LEPR-related condition; LEPR-related disorders.

Allele frequency attached by ClinVar (database versions not stated): gnomAD 0.00005; gnomAD exomes 0.00005; TOPMed 0.00006; ExAC 0.00017; ESP Exome Variant Server 0.00031.
gnomAD v4.1: 84 of 1,613,278 alleles (0.0052%); highest among the groups gnomAD compares: Admixed American, 0.02%; no homozygotes.

Submissions (2):

Labcorp Genetics (formerly Invitae), Labcorp
Classification: Uncertain significance. Last evaluated: 2023-09-19. Review status: criteria provided, single submitter. Criteria: Invitae Variant Classification Sherloc (09022015). Collection method: clinical testing. Allele origin: germline.
Comment: In summary, the available evidence is currently insufficient to determine the role of this variant in disease. Therefore, it has been classified as a Variant of Uncertain Significance. Advanced modeling of protein sequence and biophysical properties (such as structural, functional, and spatial information, amino acid conservation, physicochemical variation, residue mobility, and thermodynamic stability) performed at Invitae indicates that this missense variant is not expected to disrupt LEPR protein function. This sequence change replaces serine, which is neutral and polar, with tyrosine, which is neutral and polar, at codon 292 of the LEPR protein (p.Ser292Tyr). This variant is present in population databases (rs150605826, gnomAD 0.02%). This missense change has been observed in individual(s) with severe early-onset obesity (PMID: 30926952).

PreventionGenetics, part of Exact Sciences
Classification: Uncertain significance for LEPR-related condition. Last evaluated: 2024-09-03. Review status: no assertion criteria provided. Collection method: clinical testing. Allele origin: germline. Not counted in ClinVar's aggregate classification.
Comment: The LEPR c.875C>A variant is predicted to result in the amino acid substitution p.Ser292Tyr. This variant has been reported in an individual with obesity, but also in two unaffected siblings of the proband (Serra-Juhe et al. 2019. PubMed ID: 30926952, Table S4). This variant was also reported in an individual with primary ovarian insufficiency (Patiño et al. 2017. PubMed ID: 28505269). This variant is reported in 0.020% of alleles in individuals of Latino descent in gnomAD. In vitro functional studies show similar activity to wild type (Supplemental Data Set, Shah et al. 2023. PubMed ID: 36864747). At this time, the clinical significance of this variant is uncertain due to the absence of conclusive functional and genetic evidence.

Literature cited by the submitters: PubMed 30926952 (cited by Labcorp Genetics (formerly Invitae), Labcorp).